The following is an entry in ClinVar:

ClinVar aggregate classification (germline): Uncertain significance (1 of 4 stars; one submission).

Submission:

Labcorp Genetics (formerly Invitae), Labcorp
Classification: Uncertain significance. Last evaluated: 2023-02-27. Review status: criteria provided, single submitter. Criteria: Invitae Variant Classification Sherloc (09022015). Collection method: clinical testing. Allele origin: germline.
Comment: This sequence change replaces glycine, which is neutral and non-polar, with arginine, which is basic and polar, at codon 538 of the FN1 protein (p.Gly538Arg). This variant is not present in population databases (gnomAD no frequency). This variant has not been reported in the literature in individuals affected with FN1-related conditions. Advanced modeling of protein sequence and biophysical properties (such as structural, functional, and spatial information, amino acid conservation, physicochemical variation, residue mobility, and thermodynamic stability) performed at Invitae indicates that this missense variant is expected to disrupt FN1 protein function. In summary, the available evidence is currently insufficient to determine the role of this variant in disease. Therefore, it has been classified as a Variant of Uncertain Significance.

NM_212482.4(FN1):c.1612G>C (p.Gly538Arg)

Genes: FN1 (fibronectin 1; minus strand), LOC122861289 (Sharpr-MPRA regulatory region 10603; plus strand). Cytogenetic location: 2q35.
Variant type: single nucleotide variant.
Coding change: c.1612G>C on transcript NM_212482.4 (MANE Select); coding-DNA position 1612, G replaced by C.
Protein change: p.Gly538Arg; replaces glycine 538 with arginine.
Molecular consequence: missense variant.
Genome position (GRCh38, 1-based): chr2:215,420,736, C>G on the plus strand (G>C on the coding strand, the complement: FN1 is on the minus strand). VCF-style: chr2-215420736-C-G. GRCh37 (hg19) VCF-style: chr2-216285459-C-G.
Other names: c.1612G>C, p.Gly538Arg (NM_001306129.2, NM_001306130.2, NM_001306131.2 and 14 more transcripts); short protein forms G538R.
Identifiers: ClinVar variation 2832244 (VCV002832244.3), dbSNP rs747596082, ClinGen allele CA350468365.